The following is an entry in ClinVar:

NM_001127222.2(CACNA1A):c.978+1G>C

Gene: CACNA1A (calcium voltage-gated channel subunit alpha1 A; minus strand). Cytogenetic location: 19p13.13.
Variant type: single nucleotide variant.
Coding change: c.978+1G>C on transcript NM_001127222.2 (MANE Select); the canonical splice donor site of the intron after coding-DNA position 978, G replaced by C.
Molecular consequence: splice donor variant.
Genome position (GRCh38, 1-based): chr19:13,359,605, C>G on the plus strand (G>C on the coding strand, the complement: CACNA1A is on the minus strand). VCF-style: chr19-13359605-C-G. GRCh37 (hg19) VCF-style: chr19-13470419-C-G.
Other names: c.978+1G>C (NM_001127221.2, NM_001174080.2, NM_000068.4 and 1 more transcripts).
Identifiers: ClinVar variation 1526165 (VCV001526165.1), dbSNP rs2145245078, ClinGen allele CA404346906.

ClinVar aggregate classification (germline): Likely pathogenic (1 of 4 stars; one submission).

Conditions:
Migraine, familial hemiplegic, 1. Also called: MIGRAINE, FAMILIAL HEMIPLEGIC 1, WITH PROGRESSIVE CEREBELLAR ATAXIA. Identifiers: Orphanet 569, MedGen C1832884, MONDO:0020756, OMIM 141500, MONDO:0007714.

Submission:

3billion
Classification: Likely pathogenic for Migraine, familial hemiplegic, 1. Last evaluated: 2022-03-22. Review status: criteria provided, single submitter. Criteria: ACMG Guidelines, 2015. Collection method: clinical testing. Allele origin: germline. Affected: yes. Observed: 1 heterozygote.
Comment: Canonical splice site: predicted to alter splicing and result in a loss or disruption of normal protein function through nonsense-mediated decay (NMD) or protein truncation. Multiple pathogenic variants are reported downstream of the variant.It is not observed in the gnomAD v2.1.1 dataset. Therefore, this variant is classified as likely pathogenic according to the recommendation of ACMG/AMP guideline.